The following is an entry in ClinVar:

NM_000266.4(NDP):c.196G>T (p.Glu66Ter)

Genes: NDP (norrin cystine knot growth factor NDP; minus strand), NDP-AS1 (NDP antisense RNA 1; plus strand). Cytogenetic location: Xp11.3.
Variant type: single nucleotide variant.
Coding change: c.196G>T on transcript NM_000266.4 (MANE Select); coding-DNA position 196, G replaced by T.
Protein change: p.Glu66Ter; replaces glutamic acid 66 with a stop codon.
Molecular consequence: nonsense. On other transcripts: non-coding transcript variant (1).
Genome position (GRCh38, 1-based): chrX:43,950,005, C>A on the plus strand (G>T on the coding strand, the complement: NDP is on the minus strand). VCF-style: chrX-43950005-C-A. GRCh37 (hg19) VCF-style: chrX-43809251-C-A.
Other names: short protein forms E66*.
Identifiers: ClinVar variation 1072592 (VCV001072592.9), dbSNP rs2147204856, ClinGen allele CA413007991.

ClinVar aggregate classification (germline): Pathogenic (1 of 4 stars; one submission).

Submission:

Labcorp Genetics (formerly Invitae), Labcorp
Classification: Pathogenic. Last evaluated: 2020-07-10. Review status: criteria provided, single submitter. Criteria: Invitae Variant Classification Sherloc (09022015). Collection method: clinical testing. Allele origin: germline.
Comment: For these reasons, this variant has been classified as Pathogenic. This variant has been observed in individual(s) with exudative vitreoretinopathy (PMID: 25711638, 30452590, Invitae). This variant is not present in population databases (ExAC no frequency). This sequence change results in a premature translational stop signal in the NDP gene (p.Glu66*). While this is not anticipated to result in nonsense mediated decay, it is expected to disrupt the last 68 amino acids of the NDP protein.

Literature cited by the submitters: PubMed 25711638; PubMed 30452590.